The following is an entry in ClinVar:

NM_000138.5(FBN1):c.6617A>T (p.Asp2206Val)

Gene: FBN1 (fibrillin 1; minus strand). Cytogenetic location: 15q21.1.
Variant type: single nucleotide variant.
Coding change: c.6617A>T on transcript NM_000138.5 (MANE Select); coding-DNA position 6617, A replaced by T.
Protein change: p.Asp2206Val; replaces aspartic acid 2206 with valine.
Molecular consequence: missense variant.
Genome position (GRCh38, 1-based): chr15:48,432,988, T>A on the plus strand (A>T on the coding strand, the complement: FBN1 is on the minus strand). VCF-style: chr15-48432988-T-A. GRCh37 (hg19) VCF-style: chr15-48725185-T-A.
Other names: c.6617A>T (NM_000138.4); short protein forms D2206V.
Identifiers: ClinVar variation 1041375 (VCV001041375.9), dbSNP rs1597522584, ClinGen allele CA392333748.

ClinVar aggregate classification (germline): Conflicting classifications of pathogenicity. Review status: criteria provided, conflicting classifications (1 of 4 stars). 2 submissions from 2 submitters: Likely pathogenic (1); Uncertain significance (1). Last evaluated 2025-09-07.

Conditions:
Marfan syndrome (MFS). Also called: FBN1-Related Marfan Syndrome; MARFAN SYNDROME, TYPE I; Marfan syndrome type 1; Marfan's syndrome; Marfan syndrome, classic. Identifiers: Orphanet 284963, Orphanet 558, MedGen C0024796, MONDO:0007947, OMIM 154700.
Familial thoracic aortic aneurysm and aortic dissection (TAAD). Also called: Thoracic aortic aneurysms and dissections. Identifiers: Orphanet 91387, MedGen C4707243, MONDO:0019625.

Submissions (2):

Labcorp Genetics (formerly Invitae), Labcorp
Classification: Uncertain significance for Marfan syndrome; Familial thoracic aortic aneurysm and aortic dissection. Last evaluated: 2025-09-07. Review status: criteria provided, single submitter. Criteria: Invitae Variant Classification Sherloc (09022015). Collection method: clinical testing. Allele origin: germline.
Comment: This sequence change replaces aspartic acid, which is acidic and polar, with valine, which is neutral and non-polar, at codon 2206 of the FBN1 protein (p.Asp2206Val). This variant is not present in population databases (gnomAD no frequency). This missense change has been observed in individual(s) with Marfan syndrome (PMID: 32679894). ClinVar contains an entry for this variant (Variation ID: 1041375). An algorithm developed to predict the effect of missense changes on protein structure and function (PolyPhen-2) suggests that this variant is likely to be disruptive. In summary, the available evidence is currently insufficient to determine the role of this variant in disease. Therefore, it has been classified as a Variant of Uncertain Significance.

Ambry Genetics
Classification: Likely pathogenic for Familial thoracic aortic aneurysm and aortic dissection. Last evaluated: 2025-06-18. Review status: criteria provided, single submitter. Criteria: Ambry Variant Classification Scheme 2023. Collection method: clinical testing. Allele origin: germline.
Comment: The p.D2206V variant (also known as c.6617A>T) is located in coding exon 54 of the FBN1 gene. The aspartic acid at codon 2206 is replaced by valine, an amino acid with highly dissimilar properties. This change occurs in the first base pair of coding exon 54. This variant was reported in individual(s) with features consistent with Marfan syndrome (Stark VC et al. Genes (Basel), 2020 Jul;11:; Ambry internal data). This variant alters a conserved residue in the calcium-binding consensus sequence of a cbEGF domain and is expected to disrupt FBN1 function (Handford PA et al. Nature. 1991; 351(6322):164-7.)This amino acid position is highly conserved in available vertebrate species. In addition, this alteration is predicted to be deleterious by in silico analysis. This variant is considered to be rare based on population cohorts in the Genome Aggregation Database (gnomAD). Based on the majority of available evidence to date, this variant is likely to be pathogenic.

Literature cited by the submitters: PubMed 32679894 (cited by Labcorp Genetics (formerly Invitae), Labcorp and Ambry Genetics).